The following is an entry in ClinVar:

ClinVar aggregate classification (germline): Conflicting classifications of pathogenicity. Review status: criteria provided, conflicting classifications (1 of 4 stars). 4 submissions from 4 submitters: Uncertain significance (3); Likely benign (1). Last evaluated 2025-07-24.

Conditions:
Polycystic kidney disease 3 with or without polycystic liver disease. Also called: Polycystic Kidney and/or Polycystic Liver Disease 3; Polycystic kidney disease 3; POLYCYSTIC KIDNEY DISEASE, ADULT, TYPE III. Identifiers: MedGen C3887964, MONDO:0010916, OMIM 600666.
Inborn genetic diseases. Identifiers: MedGen C0950123, MeSH D030342.

Allele frequency attached by ClinVar (database versions not stated): ESP Exome Variant Server 0.00008; ExAC 0.00002; gnomAD 0.00003; TOPMed 0.00003.

Submissions (4):

Labcorp Genetics (formerly Invitae), Labcorp
Classification: Uncertain significance. Last evaluated: 2025-07-24. Review status: criteria provided, single submitter. Criteria: Invitae Variant Classification Sherloc (09022015). Collection method: clinical testing. Allele origin: germline.
Comment: This sequence change replaces arginine, which is basic and polar, with histidine, which is basic and polar, at codon 477 of the GANAB protein (p.Arg477His). This variant is present in population databases (rs377690186, gnomAD 0.005%). This variant has not been reported in the literature in individuals affected with GANAB-related conditions. ClinVar contains an entry for this variant (Variation ID: 3098283). Invitae Evidence Modeling of protein sequence and biophysical properties (such as structural, functional, and spatial information, amino acid conservation, physicochemical variation, residue mobility, and thermodynamic stability) indicates that this missense variant is not expected to disrupt GANAB protein function with a negative predictive value of 80%. In summary, the available evidence is currently insufficient to determine the role of this variant in disease. Therefore, it has been classified as a Variant of Uncertain Significance.

GeneDx
Classification: Uncertain significance. Last evaluated: 2024-12-30. Review status: criteria provided, single submitter. Criteria: GeneDx Variant Classification Process June 2021. Collection method: clinical testing. Allele origin: germline.
Comment: In silico analysis indicates that this missense variant does not alter protein structure/function; Has not been previously published as pathogenic or benign to our knowledge

Fulgent Genetics
Classification: Uncertain significance for Polycystic kidney disease 3 with or without polycystic liver disease. Last evaluated: 2024-01-22. Review status: criteria provided, single submitter. Criteria: ACMG Guidelines, 2015. Collection method: clinical testing. Allele origin: germline.

Ambry Genetics
Classification: Likely benign for Inborn genetic diseases. Last evaluated: 2023-12-20. Review status: criteria provided, single submitter. Criteria: Ambry Variant Classification Scheme 2023. Collection method: clinical testing. Allele origin: germline.

NM_198334.3(GANAB):c.1364G>A (p.Arg455His)

Gene: GANAB (glucosidase II alpha subunit; minus strand). Cytogenetic location: 11q12.3.
Variant type: single nucleotide variant.
Coding change: c.1364G>A on transcript NM_198334.3 (MANE Select); coding-DNA position 1364, G replaced by A.
Protein change: p.Arg455His; replaces arginine 455 with histidine.
Molecular consequence: missense variant.
Genome position (GRCh38, 1-based): chr11:62,630,623, C>T on the plus strand (G>A on the coding strand, the complement: GANAB is on the minus strand). VCF-style: chr11-62630623-C-T. GRCh37 (hg19) VCF-style: chr11-62398095-C-T.
Other names: c.1430G>A (NM_198335.3); c.1088G>A, p.Arg363His (NM_001278192.2); c.1022G>A, p.Arg341His (NM_001278193.2); c.1073G>A, p.Arg358His (NM_001278194.2, NM_001329222.2, NM_001329223.2); c.641G>A, p.Arg214His (NM_001329224.2, NM_001329225.2); c.1430G>A, p.Arg477His (NM_198335.4); short protein forms R363H, R455H, R341H, R358H, R477H, R214H.
Identifiers: ClinVar variation 3098283 (VCV003098283.6), dbSNP rs377690186, ClinGen allele CA6050806.